The following is an entry in ClinVar:

ClinVar aggregate classification (germline): Likely benign. Review status: criteria provided, multiple submitters, no conflicts (2 of 4 stars). 3 submissions from 3 submitters: Likely benign (2). 1 of the submissions does not count toward it. Last evaluated 2025-11-25.

Conditions:
MYO18B-related disorder. Also called: MYO18B-related condition.
Klippel-Feil anomaly-myopathy-facial dysmorphism syndrome. Also called: Klippel-feil syndrome 4, autosomal recessive, with nemaline myopathy and facial dysmorphism; Klippel-Feil syndrome 4, autosomal recessive, with myopathy and facial dysmorphism. Identifiers: Orphanet 447974, MedGen C4225285, MONDO:0014689, OMIM 616549.

Allele frequency attached by ClinVar (database versions not stated): gnomAD 0.00004; gnomAD exomes 0.00004 and 0.00005; TOPMed 0.00006; ExAC 0.00007; ESP Exome Variant Server 0.00008.
gnomAD v4.1: 66 of 1,613,390 alleles (0.0041%); highest among the groups gnomAD compares: Middle Eastern, 0.21%; no homozygotes.

Submissions (3):

Labcorp Genetics (formerly Invitae), Labcorp
Classification: Likely benign. Last evaluated: 2025-11-25. Review status: criteria provided, single submitter. Criteria: Invitae Variant Classification Sherloc (09022015). Collection method: clinical testing. Allele origin: germline.

Revvity Omics, Revvity
Classification: Likely benign for Klippel-Feil anomaly-myopathy-facial dysmorphism syndrome. Last evaluated: 2025-01-27. Review status: criteria provided, single submitter. Criteria: ACMG Guidelines, 2015. Collection method: clinical testing. Allele origin: germline.

PreventionGenetics, part of Exact Sciences
Classification: Likely benign for MYO18B-related condition. Last evaluated: 2024-07-30. Review status: no assertion criteria provided. Collection method: clinical testing. Allele origin: germline. Not counted in ClinVar's aggregate classification.
Comment: This variant is classified as likely benign based on ACMG/AMP sequence variant interpretation guidelines (Richards et al. 2015 PMID: 25741868, with internal and published modifications).

NM_032608.7(MYO18B):c.2982A>G (p.Glu994=)

Gene: MYO18B (myosin XVIIIB; plus strand). Cytogenetic location: 22q12.1.
Variant type: single nucleotide variant.
Coding change: c.2982A>G on transcript NM_032608.7 (MANE Select); coding-DNA position 2982, A replaced by G.
Protein change: p.Glu994=; no amino-acid change (glutamic acid 994 retained).
Molecular consequence: synonymous variant.
Genome position (GRCh38, 1-based): chr22:25,832,919, A>G. VCF-style: chr22-25832919-A-G. GRCh37 (hg19) VCF-style: chr22-26228886-A-G.
Other names: c.2982A>G, p.Glu994= (NM_001318245.2); c.2982A>G (NM_032608.6).
Identifiers: ClinVar variation 1536257 (VCV001536257.11), dbSNP rs199523038, ClinGen allele CA10160411.
Genomic context (GRCh38, chr22:25,832,919, plus strand): 5'-TTTTCTTCCCCCTTCAGCTCGCTAAAAGTGCTAACTTTTAAATCCTGTTATTTTCCAGGA[A>G]GGTGTTCCTGTGCAGTTTGACCTCCCGGACCCCTCCCCAGGGACCACCGTGGCTGTTGTG-3'
Protein context (NP_115997.5, residues 984-1004): FVSTLQRYQE[Glu994=]GVPVQFDLPD